The following is an entry in ClinVar:

ClinVar aggregate classification (germline): Likely benign (1 of 4 stars; one submission).

Conditions:
Lynch syndrome 5 (LYNCH5). Also called: Colorectal cancer, hereditary nonpolyposis, type 5; Hereditary non-polyposis colorectal cancer, type 5. Identifiers: Orphanet 144, MedGen C1833477, MONDO:0013710, OMIM 614350. Disease mechanism: loss of function.

Submission:

Myriad Genetics, Inc.
Classification: Likely benign for Lynch syndrome 5. Last evaluated: 2025-01-07. Review status: criteria provided, single submitter. Criteria: Myriad Autosomal Dominant, Autosomal Recessive and X-Linked Classification Criteria (2023). Collection method: clinical testing. Allele origin: unknown.
Comment: This variant is considered likely benign. This variant is intronic and is not expected to impact mRNA splicing.

NM_000179.3(MSH6):c.3646+7dup

Gene: MSH6 (mutS homolog 6; plus strand). Cytogenetic location: 2p16.3.
Variant type: Duplication.
Coding change: c.3646+7dup on transcript NM_000179.3 (MANE Select); 7 bases into the intron after coding-DNA position 3646, one base duplicated (C; older notation c.3646+7dupC).
Molecular consequence: intron variant.
Genome position (GRCh38, 1-based): chr2:47,805,714, C duplicated. VCF-style (leftmost placement, unchanged base first): chr2-47805713-A-AC. GRCh37 (hg19) VCF-style: chr2-48032852-A-AC.
Other names: c.3646+7dup (NM_001406809.1, NM_001406796.1, NM_001406808.1 and 1 more transcripts); c.2740+7dup (NM_001406811.1, NM_001406814.1, NM_001281493.2 and 6 more transcripts); c.3349+7dup (NM_001406805.1, NM_001406797.1, NM_001406801.1 and 10 more transcripts); c.3742+7dup (NM_001406795.1, NM_001406802.1); c.3652+7dup (NM_001406813.1); c.3121+7dup (NM_001406807.1, NM_001406799.1, NM_001406806.1); c.3472+7dup (NM_001406798.1); c.2782+7dup (NM_001406803.1); and 7 more.
Identifiers: ClinVar variation 3904757 (VCV003904757.1).
Genomic context (GRCh38, chr2:47,805,713, plus strand): 5'-GCCAGCATACTCATGCATGCAACAGCACATTCTCTGGTGCTTGTGGATGAATTAGGTAAG[A>AC]CATTAAACTTCTCATTTGAAGACTATCTATCTTAAAAACATTTGTACAAATAACTATTTT-3'